The following is an entry in ClinVar:

ClinVar aggregate classification (germline): Uncertain significance. Review status: criteria provided, multiple submitters, no conflicts (2 of 4 stars). 6 submissions from 5 submitters: Uncertain significance (5). 1 of the submissions does not count toward it. Last evaluated 2026-03-24.

Conditions:
Leucine-induced hypoglycemia (LIH). Also called: LEUCINE-SENSITIVE HYPOGLYCEMIA OF INFANCY. Identifiers: MedGen C0271714, MONDO:0009415, OMIM 240800.
Diabetes mellitus, permanent neonatal 3. Also called: ABCC8-Related Permanent Neonatal Diabetes Mellitus. Identifiers: MedGen C5394303, MONDO:0030088, OMIM 618857.
Diabetes mellitus, transient neonatal, 2 (TNDM2). Identifiers: Orphanet 99886, MedGen C1835887, MONDO:0012480, OMIM 610374. Disease mechanism: loss of function.
Hyperinsulinemic hypoglycemia, familial, 1 (HHF1). Also called: HYPERINSULINISM, FAMILIAL, WITH PANCREATIC NESIDIOBLASTOSIS; HYPOGLYCEMIA, HYPERINSULINEMIC, OF INFANCY; NESIDIOBLASTOSIS OF PANCREAS; Persistent hyperinsulinemic hypoglycemia of infancy; Persistent Hyperinsulinemia Hypoglycemia of Infancy. Identifiers: Orphanet 276575, Orphanet 276598, MedGen C2931832, MONDO:0009734, OMIM 256450.
Type 2 diabetes mellitus. Also called: Type II diabetes mellitus. Identifiers: MedGen C0011860, MeSH D003924, MONDO:0005148, OMIM 125853, HP:0005978.
Transitory neonatal diabetes mellitus. Also called: Transient neonatal diabetes mellitus. Identifiers: MedGen C0342273, MONDO:0020525, HP:0008255.
Hereditary hyperinsulinism.
Maturity-onset diabetes of the young (MODY). Also called: Maturity onset diabetes mellitus in young. Identifiers: Orphanet 552, MedGen C0342276, MONDO:0018911, HP:0004904.

Allele frequency attached by ClinVar (database versions not stated): gnomAD exomes 0.00001 and 0.00002; ExAC 0.00002; gnomAD 0.00003 and 0.00004; TOPMed 0.00003; 1000 Genomes Project 0.00040; 1000 Genomes Project 30x 0.00047.
gnomAD v4.1: 24 of 1,614,158 alleles (0.0015%); highest among the groups gnomAD compares: African/African-American, 0.016%; no homozygotes.

Submissions (6):

Women's Health and Genetics/Laboratory Corporation of America, LabCorp
Classification: Uncertain significance. Last evaluated: 2026-03-24. Review status: criteria provided, single submitter. Criteria: LabCorp Variant Classification Summary - May 2015. Collection method: clinical testing. Allele origin: germline.
Comment: Variant summary: ABCC8 c.1270G>A (p.Asp424Asn) results in a conservative amino acid change in the encoded protein sequence. Algorithms developed to predict the effect of missense changes on protein structure and function are either unavailable or do not agree on the potential impact of this missense change. The variant allele was found at a frequency of 1.6e-05 in 251478 control chromosomes (gnomAD). The available data on variant occurrences in the general population are insufficient to allow any conclusion about variant significance. c.1270G>A has been observed in individuals affected with type 2 diabetes or pulmonary arterial hypertension (Bansal_2017, Zhu_2019). These reports do not provide unequivocal conclusions about association of the variant with Familial Hyperinsulinism. To our knowledge, no experimental evidence demonstrating an impact on protein function has been reported. The following publications have been ascertained in the context of this evaluation (PMID: 29207974, 31727138). ClinVar contains an entry for this variant (Variation ID: 389393). Based on the evidence outlined above, the variant was classified as uncertain significance.

Fulgent Genetics
Classification: Uncertain significance for Type 2 diabetes mellitus; Leucine-induced hypoglycemia; Hyperinsulinemic hypoglycemia, familial, 1; Diabetes mellitus, transient neonatal, 2; Diabetes mellitus, permanent neonatal 3. Last evaluated: 2024-02-23. Review status: criteria provided, single submitter. Criteria: ACMG Guidelines, 2015. Collection method: clinical testing. Allele origin: germline.

GeneDx
Classification: Uncertain significance. Last evaluated: 2016-09-27. Review status: criteria provided, single submitter. Criteria: GeneDx Variant Classification (06012015). Collection method: clinical testing. Allele origin: germline. Affected: yes.
Comment: The D424N variant in the ABCC8 gene has not been reported previously as a pathogenic variant, nor as a benign variant, to our knowledge. However, a different missense variant at this codon (D424V) has been reported previously in an infant with neonatal diabetes mellitus who was heterozygous for the variant; additional evidence supporting pathogenicity of the D424V variant, such as functional studies, were not specified in this report (Anik et al., 2014). The D424N variant was not observed in approximately 6500 individuals of European and African American ancestry in the NHLBI Exome Sequencing Project, indicating it is not a common benign variant in these populations. The D424N variant is a semi-conservative amino acid substitution, which may impact secondary protein structure as these residues differ in some properties. This substitution occurs at a position where amino acids with similar properties to Aspartic acid are tolerated across species. In silico analysis predicts this variant is probably damaging to the protein structure/function. We interpret D424N as a variant of uncertain significance.

Clinical Genomics, Uppaluri K&H Personalized Medicine Clinic
Classification: Uncertain significance for Maturity-onset diabetes of the young. Review status: criteria provided, single submitter. Criteria: K & H Uppaluri Personalized Medicine Clinic Variant Classification & Assertion Criteria_Updated V.1. Collection method: research. Allele origin: unknown. Inheritance: Autosomal dominant inheritance.
Comment: Mutations in ABCC8 gene are associated with both neonatal diabetes mellitus as well as MODY. Patients with this mutation may have a better response to sulfonylureas. However, no sufficient evidence is found to ascertain the role of this particular variant ( rs577545383) in MODY yet.

Clinical Genomics, Uppaluri K&H Personalized Medicine Clinic
Classification: Uncertain significance for Transitory neonatal diabetes mellitus. Review status: criteria provided, single submitter. Criteria: K & H Uppaluri Personalized Medicine Clinic Variant Classification & Assertion Criteria_Updated V.1. Collection method: research. Allele origin: unknown.
Comment: Mutations in ABCC8 gene are associated with both neonatal diabetes mellitus as well as MODY. Patients with this mutation may have a better response to sulfonylureas. However, no sufficient evidence is found to ascertain the role of this particular variant ( rs577545383) in neonatal diabetes yet.

Natera, Inc.
Classification: Uncertain significance for Hereditary hyperinsulinism. Last evaluated: 2020-09-16. Review status: no assertion criteria provided. Collection method: clinical testing. Allele origin: germline. Not counted in ClinVar's aggregate classification.

Literature cited by the submitters: PubMed 29207974 (cited by Women's Health and Genetics/Laboratory Corporation of America, LabCorp); PubMed 31727138 (cited by Women's Health and Genetics/Laboratory Corporation of America, LabCorp); PubMed 16885549 (cited by Clinical Genomics, Uppaluri K&H Personalized Medicine Clinic); PubMed 21989597 (cited by Clinical Genomics, Uppaluri K&H Personalized Medicine Clinic); PubMed 27538677 (cited by Clinical Genomics, Uppaluri K&H Personalized Medicine Clinic); PubMed 18981553 (cited by Clinical Genomics, Uppaluri K&H Personalized Medicine Clinic); PubMed 32027066 (cited by Clinical Genomics, Uppaluri K&H Personalized Medicine Clinic); PubMed 16613899 (cited by Clinical Genomics, Uppaluri K&H Personalized Medicine Clinic); PubMed 18025408 (cited by Clinical Genomics, Uppaluri K&H Personalized Medicine Clinic); PubMed 32792356 (cited by Clinical Genomics, Uppaluri K&H Personalized Medicine Clinic).

NM_000352.6(ABCC8):c.1270G>A (p.Asp424Asn)

Gene: ABCC8 (ATP binding cassette subfamily C member 8; minus strand). Cytogenetic location: 11p15.1.
Variant type: single nucleotide variant.
Coding change: c.1270G>A on transcript NM_000352.6 (MANE Select); coding-DNA position 1270, G replaced by A.
Protein change: p.Asp424Asn; replaces aspartic acid 424 with asparagine.
Molecular consequence: missense variant. On other transcripts: non-coding transcript variant (1).
Genome position (GRCh38, 1-based): chr11:17,448,578, C>T on the plus strand (G>A on the coding strand, the complement: ABCC8 is on the minus strand). VCF-style: chr11-17448578-C-T. GRCh37 (hg19) VCF-style: chr11-17470125-C-T.
Other names: c.1270G>A, p.Asp424Asn (NM_001287174.3, NM_001351295.2); c.1267G>A, p.Asp423Asn (NM_001351296.2, NM_001351297.2); short protein forms D424N, D423N.
Identifiers: ClinVar variation 389393 (VCV000389393.6), dbSNP rs577545383, ClinGen allele CA5903632.